The following is an entry in ClinVar:

NM_002637.4(PHKA1):c.152T>C (p.Ile51Thr)

Gene: PHKA1 (phosphorylase kinase regulatory subunit alpha 1; minus strand). Cytogenetic location: Xq13.1.
Variant type: single nucleotide variant.
Coding change: c.152T>C on transcript NM_002637.4 (MANE Select); coding-DNA position 152, T replaced by C.
Protein change: p.Ile51Thr; replaces isoleucine 51 with threonine.
Molecular consequence: missense variant.
Genome position (GRCh38, 1-based): chrX:72,712,864, A>G on the plus strand (T>C on the coding strand, the complement: PHKA1 is on the minus strand). VCF-style: chrX-72712864-A-G. GRCh37 (hg19) VCF-style: chrX-71932706-A-G.
Other names: c.152T>C, p.Ile51Thr (NM_001122670.2, NM_001172436.2); short protein forms I51T.
Identifiers: ClinVar variation 1029465 (VCV001029465.1), dbSNP rs2054403951, ClinGen allele CA413641704.

ClinVar aggregate classification (germline): Uncertain significance (1 of 4 stars; one submission).

Conditions:
Glycogen storage disease IXd (GSD9D). Also called: Muscle Phosphorylase Kinase Deficiency; GSD IXd. Identifiers: Orphanet 715, MedGen C1845151, MONDO:0010362, OMIM 300559.

Submission:

Baylor Genetics
Classification: Uncertain significance for Glycogen storage disease IXd. Last evaluated: 2020-05-20. Review status: criteria provided, single submitter. Criteria: ACMG Guidelines, 2015. Collection method: clinical testing. Allele origin: unknown. Affected: yes.
Comment: This variant was determined to be of uncertain significance according to ACMG Guidelines, 2015 [PMID:25741868].